The following is an entry in ClinVar:

ClinVar aggregate classification (germline): Benign. Review status: criteria provided, multiple submitters, no conflicts (2 of 4 stars). 3 submissions from 3 submitters: Benign (2). 1 of the submissions does not count toward it. Last evaluated 2026-01-27.

Conditions:
SUN1-related disorder. Also called: SUN1-related condition.
Emery-Dreifuss muscular dystrophy (EDMD). Also called: Scapuloperoneal syndrome, X-linked (formerly); Humeroperoneal neuromuscular disease, (formerly). Identifiers: Orphanet 261, MedGen C0410189, MONDO:0016830.

Allele frequency attached by ClinVar (database versions not stated): gnomAD exomes 0.00114 and 0.00272; ExAC 0.00348; 1000 Genomes Project 0.01058; gnomAD 0.01204 and 0.01300; ESP Exome Variant Server 0.01206; TOPMed 0.01271; 1000 Genomes Project 30x 0.01312.
gnomAD v4.1: 3,538 of 1,614,222 alleles (0.22%); highest among the groups gnomAD compares: African/African-American, 4.2%; 87 homozygotes.

Submissions (3):

Labcorp Genetics (formerly Invitae), Labcorp
Classification: Benign for Emery-Dreifuss muscular dystrophy. Last evaluated: 2026-01-27. Review status: criteria provided, single submitter. Criteria: Invitae Variant Classification Sherloc (09022015). Collection method: clinical testing. Allele origin: germline.

Mayo Clinic Laboratories, Mayo Clinic
Classification: Benign. Last evaluated: 2024-02-29. Review status: criteria provided, single submitter. Criteria: ACMG Guidelines, 2015. Collection method: clinical testing. Allele origin: germline. Observed: 5 variant alleles.
Comment: BS1, BS2, BP4, BP7

PreventionGenetics, part of Exact Sciences
Classification: Likely benign for SUN1-related condition. Last evaluated: 2024-09-23. Review status: no assertion criteria provided. Collection method: clinical testing. Allele origin: germline. Not counted in ClinVar's aggregate classification.
Comment: This variant is classified as likely benign based on ACMG/AMP sequence variant interpretation guidelines (Richards et al. 2015 PMID: 25741868, with internal and published modifications).

NM_001130965.3(SUN1):c.1646C>T (p.Thr549Met)

Gene: SUN1 (Sad1 and UNC84 domain containing 1; plus strand). Cytogenetic location: 7p22.3.
Variant type: single nucleotide variant.
Coding change: c.1646C>T on transcript NM_001130965.3 (MANE Select); coding-DNA position 1646, C replaced by T.
Protein change: p.Thr549Met; replaces threonine 549 with methionine.
Molecular consequence: missense variant. On other transcripts: non-coding transcript variant (3).
Genome position (GRCh38, 1-based): chr7:860,249, C>T. VCF-style: chr7-860249-C-T. GRCh37 (hg19) VCF-style: chr7-899886-C-T.
Other names: p.Thr549Met; c.1337C>T, p.Thr446Met (NM_001171944.2); c.1646C>T, p.Thr549Met (NM_001367633.1, NM_001367634.1, NM_001367653.1); c.1295C>T, p.Thr432Met (NM_001367635.1); c.1886C>T, p.Thr629Met (NM_001367636.1, NM_001367691.1); c.1754C>T, p.Thr585Met (NM_001367638.1); c.1187C>T, p.Thr396Met (NM_001367639.1); c.1826C>T, p.Thr609Met (NM_001367640.1); and 44 more; short protein forms T549M, T360M, T396M, T432M, T466M, T488M, T548M, T553M.
Identifiers: ClinVar variation 461642 (VCV000461642.16), dbSNP rs114015310, ClinGen allele CA4112319.
Genomic context (GRCh38, chr7:860,249, plus strand): 5'-CTCTGGAACAGCTGCTGCAGAGGTTCTCATCACAGTTTGTGAGCAAAGGCGACTTGCAGA[C>T]GATGCTGCGAGACCTGCAGCTGCAGATCCTGCGGAACGTCACCCACCACGTTTCCGTGAC-3'
Protein context (NP_001124437.1, residues 539-559): SQFVSKGDLQ[Thr549Met]MLRDLQLQIL